The following is an entry in ClinVar:

NM_015909.4(NBAS):c.60G>C (p.Glu20Asp)

Genes: NBAS (NBAS subunit of NRZ tethering complex; minus strand), LOC129933155 (ATAC-STARR-seq lymphoblastoid active region 15346; plus strand). Cytogenetic location: 2p24.3.
Variant type: single nucleotide variant.
Coding change: c.60G>C on transcript NM_015909.4 (MANE Select); coding-DNA position 60, G replaced by C.
Protein change: p.Glu20Asp; replaces glutamic acid 20 with aspartic acid.
Molecular consequence: missense variant. On other transcripts: non-coding transcript variant (1).
Genome position (GRCh38, 1-based): chr2:15,561,245, C>G on the plus strand (G>C on the coding strand, the complement: NBAS is on the minus strand). VCF-style: chr2-15561245-C-G. GRCh37 (hg19) VCF-style: chr2-15701369-C-G.
Other names: short protein forms E20D.
Identifiers: ClinVar variation 2015165 (VCV002015165.4), dbSNP rs2528056508, ClinGen allele CA345895135.

ClinVar aggregate classification (germline): Uncertain significance (1 of 4 stars; one submission).

Submission:

Labcorp Genetics (formerly Invitae), Labcorp
Classification: Uncertain significance. Last evaluated: 2022-07-24. Review status: criteria provided, single submitter. Criteria: Invitae Variant Classification Sherloc (09022015). Collection method: clinical testing. Allele origin: germline.
Comment: This sequence change replaces glutamic acid, which is acidic and polar, with aspartic acid, which is acidic and polar, at codon 20 of the NBAS protein (p.Glu20Asp). This variant is not present in population databases (gnomAD no frequency). This variant has not been reported in the literature in individuals affected with NBAS-related conditions. Algorithms developed to predict the effect of missense changes on protein structure and function are either unavailable or do not agree on the potential impact of this missense change (SIFT: "Deleterious"; PolyPhen-2: "Benign"; Align-GVGD: "Class C35"). In summary, the available evidence is currently insufficient to determine the role of this variant in disease. Therefore, it has been classified as a Variant of Uncertain Significance.